The following is an entry in ClinVar:

ClinVar aggregate classification (germline): Likely benign. Review status: criteria provided, multiple submitters, no conflicts (2 of 4 stars). 2 submissions from 2 submitters: Likely benign (2). Last evaluated 2025-12-03.

Conditions:
Hereditary spastic paraplegia 30. Identifiers: Orphanet 101010, MedGen C5235139, MONDO:0012476.
Intellectual disability, autosomal dominant 9 (NESCAVS). Also called: NESCAV SYNDROME; KIF1A-Related Neurodevelopmental Disorder. Identifiers: Orphanet 662367, MedGen C5393830, MONDO:0013656, OMIM 614255.
Neuropathy, hereditary sensory, type 2C. Also called: KIF1A-Related HSAN2 (HSAN2C); Hereditary sensory and autonomic neuropathy type IIC. Identifiers: Orphanet 970, MedGen C3280168, MONDO:0013634, OMIM 614213.

Allele frequency attached by ClinVar (database versions not stated): gnomAD exomes below 0.00001 and 0.00001; gnomAD 0.00001; TOPMed 0.00002.
gnomAD v4.1: 21 of 1,613,522 alleles (0.0013%); highest among the groups gnomAD compares: Non-Finnish European, 0.0016%; no homozygotes.

Submissions (2):

Labcorp Genetics (formerly Invitae), Labcorp
Classification: Likely benign for Hereditary spastic paraplegia 30; Neuropathy, hereditary sensory, type 2C; Intellectual disability, autosomal dominant 9. Last evaluated: 2025-12-03. Review status: criteria provided, single submitter. Criteria: Invitae Variant Classification Sherloc (09022015). Collection method: clinical testing. Allele origin: germline.

Women's Health and Genetics/Laboratory Corporation of America, LabCorp
Classification: Likely benign. Last evaluated: 2025-02-21. Review status: criteria provided, single submitter. Criteria: LabCorp Variant Classification Summary - May 2015. Collection method: clinical testing. Allele origin: germline.
Comment: Variant summary: KIF1A c.1038-19A>G alters a non-conserved nucleotide located at a position not widely known to affect splicing. Consensus agreement among computation tools predict no significant impact on normal splicing. However, these predictions have yet to be confirmed by functional studies. The variant allele was found at a frequency of 4e-06 in 248678 control chromosomes. The available data on variant occurrences in the general population are insufficient to allow any conclusion about variant significance. To our knowledge, no occurrence of c.1038-19A>G in individuals affected with Neuropathy, hereditary sensory, type 2C or other KIF1A-related disorders and no experimental evidence demonstrating its impact on protein function have been reported. ClinVar contains an entry for this variant (Variation ID: 1596479). Based on the evidence outlined above, the variant was classified as likely benign.

NM_001244008.2(KIF1A):c.1038-19A>G

Gene: KIF1A (kinesin family member 1A; minus strand). Cytogenetic location: 2q37.3.
Variant type: single nucleotide variant.
Coding change: c.1038-19A>G on transcript NM_001244008.2 (MANE Select); 19 bases into the intron before coding-DNA position 1038, A replaced by G.
Molecular consequence: intron variant.
Genome position (GRCh38, 1-based): chr2:240,773,275, T>C on the plus strand (A>G on the coding strand, the complement: KIF1A is on the minus strand). VCF-style: chr2-240773275-T-C. GRCh37 (hg19) VCF-style: chr2-241712692-T-C.
Other names: c.1038-19A>G (NM_001379653.1, NM_001379650.1, NM_001379645.1 and 20 more transcripts).
Identifiers: ClinVar variation 1596479 (VCV001596479.9), dbSNP rs1200606832, ClinGen allele CA540529810.